The following is an entry in ClinVar:

NM_004863.4(SPTLC2):c.558A>C (p.Gly186=)

Gene: SPTLC2 (serine palmitoyltransferase long chain base subunit 2; minus strand). Cytogenetic location: 14q24.3.
Variant type: single nucleotide variant.
Coding change: c.558A>C on transcript NM_004863.4 (MANE Select); coding-DNA position 558, A replaced by C.
Protein change: p.Gly186=; no amino-acid change (glycine 186 retained).
Molecular consequence: synonymous variant.
Genome position (GRCh38, 1-based): chr14:77,576,840, T>G on the plus strand (A>C on the coding strand, the complement: SPTLC2 is on the minus strand). VCF-style: chr14-77576840-T-G. GRCh37 (hg19) VCF-style: chr14-78043183-T-G.
Identifiers: ClinVar variation 4873789 (VCV004873789.2).
Genomic context (GRCh38, chr14:77,576,840, plus strand): 5'-AGTACTGCACACTCCAGCTCCATACTCCTCAAGGACTTTGGCGGCTGCTTCTTGACATGA[T>G]CCAGTATTCCGTGCAAATCCAAGATAGTTGTAGGAACCCATGTTTATAACACCCTTTATT-3'
Protein context (NP_004854.1, residues 176-196): YNYLGFARNT[Gly186=]SCQEAAAKVL

ClinVar aggregate classification (germline): Likely benign (1 of 4 stars; one submission).

Submission:

CeGaT Center for Human Genetics Tuebingen
Classification: Likely benign. Last evaluated: 2026-06-01. Review status: criteria provided, single submitter. Criteria: CeGaT Center For Human Genetics Tuebingen Variant Classification Criteria Version 2. Collection method: clinical testing. Allele origin: germline. Affected: yes. Observed: 1 variant allele.
Comment: SPTLC2: PM2:Supporting, BP4, BP7